The following is an entry in ClinVar:

NM_001079872.2(CUL4B):c.2475T>C (p.Phe825=)

Gene: CUL4B (cullin 4B; minus strand). Cytogenetic location: Xq24.
Variant type: single nucleotide variant.
Coding change: c.2475T>C on transcript NM_001079872.2 (MANE Select); coding-DNA position 2475, T replaced by C.
Protein change: p.Phe825=; no amino-acid change (phenylalanine 825 retained).
Molecular consequence: synonymous variant.
Genome position (GRCh38, 1-based): chrX:120,530,219, A>G on the plus strand (T>C on the coding strand, the complement: CUL4B is on the minus strand). VCF-style: chrX-120530219-A-G. GRCh37 (hg19) VCF-style: chrX-119664074-A-G.
Other names: c.2490T>C, p.Phe830= (NM_001330624.2); c.1941T>C, p.Phe647= (NM_001369145.1); c.2529T>C, p.Phe843= (NM_003588.4).
Identifiers: ClinVar variation 4985445 (VCV004985445.1).

ClinVar aggregate classification (germline): Likely benign (1 of 4 stars; one submission).

Conditions:
CUL4B-related disorder. Also called: CUL4B-related condition.

gnomAD v4.1: 2 of 1,210,785 alleles (0.00017%); highest among the groups gnomAD compares: Non-Finnish European, 0.00022%; no homozygotes.

Submission:

PreventionGenetics, part of Exact Sciences
Classification: Likely benign for CUL4B-related condition. Last evaluated: 2025-01-15. Review status: criteria provided, single submitter. Criteria: ACMG Guidelines, 2015. Collection method: clinical testing. Allele origin: germline.
Comment: This variant is classified as likely benign based on ACMG/AMP sequence variant interpretation guidelines (Richards et al. 2015 PMID: 25741868, with internal and published modifications).